The following is an entry in ClinVar:

ClinVar aggregate classification (germline): Uncertain significance. Review status: criteria provided, multiple submitters, no conflicts (2 of 4 stars). 2 submissions from 2 submitters: Uncertain significance (2). Last evaluated 2025-06-17.

Conditions:
Cardiomyopathy (CMYO). Also called: Cardiomyopathies. Identifiers: Orphanet 167848, MedGen C0878544, MONDO:0004994, HP:0001638. Inheritance: Various modes of inheritance.
Cardiovascular phenotype. Identifiers: MedGen CN230736.

Allele frequency attached by ClinVar (database versions not stated): gnomAD exomes below 0.00001.
gnomAD v4.1: 1 of 1,426,430 alleles (0.00007%); highest among the groups gnomAD compares: Non-Finnish European, 0.000092%; no homozygotes.

Submissions (2):

Color Diagnostics, LLC DBA Color Health
Classification: Uncertain significance for Cardiomyopathy. Last evaluated: 2025-06-17. Review status: criteria provided, single submitter. Criteria: ACMG Guidelines, 2015. Collection method: clinical testing. Allele origin: germline.
Comment: This missense variant replaces glutamine with glutamic acid at codon 2809 of the RYR2 protein. Computational prediction is inconclusive regarding the impact of this variant on protein structure and function. To our knowledge, functional studies have not been reported for this variant. This variant has not been reported in individuals affected with RYR2-related disorders in the literature. This variant has not been identified in the general population by the Genome Aggregation Database (gnomAD). The available evidence is insufficient to determine the role of this variant in disease conclusively. Therefore, this variant is classified as a Variant of Uncertain Significance.

Ambry Genetics
Classification: Uncertain significance for Cardiovascular phenotype. Last evaluated: 2022-11-17. Review status: criteria provided, single submitter. Criteria: Ambry Variant Classification Scheme 2023. Collection method: clinical testing. Allele origin: germline.
Comment: The p.Q2809E variant (also known as c.8425C>G), located in coding exon 56 of the RYR2 gene, results from a C to G substitution at nucleotide position 8425. The glutamine at codon 2809 is replaced by glutamic acid, an amino acid with highly similar properties. This amino acid position is highly conserved in available vertebrate species. In addition, this alteration is predicted to be deleterious by in silico analysis. Since supporting evidence is limited at this time, the clinical significance of this alteration remains unclear.

NM_001035.3(RYR2):c.8425C>G (p.Gln2809Glu)

Gene: RYR2 (ryanodine receptor 2; plus strand). Cytogenetic location: 1q43.
Variant type: single nucleotide variant.
Coding change: c.8425C>G on transcript NM_001035.3 (MANE Select); coding-DNA position 8425, C replaced by G.
Protein change: p.Gln2809Glu; replaces glutamine 2809 with glutamic acid.
Molecular consequence: missense variant.
Genome position (GRCh38, 1-based): chr1:237,660,936, C>G. VCF-style: chr1-237660936-C-G. GRCh37 (hg19) VCF-style: chr1-237824236-C-G.
Other names: short protein forms Q2809E.
Identifiers: ClinVar variation 2454005 (VCV002454005.3), dbSNP rs2547121763, ClinGen allele CA345402000.